The following is an entry in ClinVar:

ClinVar aggregate classification (germline): Pathogenic (1 of 4 stars; one submission).

Conditions:
Duchenne muscular dystrophy (DMD). Also called: MUSCULAR DYSTROPHY, PSEUDOHYPERTROPHIC PROGRESSIVE, DUCHENNE TYPE; Duchenne Muscular Dystrophy (DMD). Identifiers: Orphanet 98896, MedGen C0013264, MONDO:0010679, OMIM 310200.

Submission:

3billion
Classification: Pathogenic for Duchenne muscular dystrophy. Last evaluated: 2024-12-26. Review status: criteria provided, single submitter. Criteria: ACMG Guidelines, 2015. Collection method: clinical testing. Allele origin: germline. Affected: yes.
Comment: The variant is not observed in the gnomAD v4.1.0 dataset. Predicted Consequence/Location: Frameshift: predicted to result in a loss or disruption of normal protein function through nonsense-mediated decay (NMD) or protein truncation. Multiple pathogenic variants are reported downstream of the variant. The variant has been reported to be associated with DMD-related disorder (PMID: 26911353). Therefore, this variant is classified as Pathogenic according to the recommendation of ACMG/AMP guideline.

Literature cited by the submitters: PubMed 26911353.

NM_004006.3(DMD):c.5413dup (p.Val1805fs)

Gene: DMD (dystrophin; minus strand). Cytogenetic location: Xp21.1.
Variant type: Duplication.
Coding change: c.5413dup on transcript NM_004006.3 (MANE Select); coding-DNA position 5413, one base duplicated (G; older notation c.5413dupG).
Protein change: p.Val1805fs; shifts the reading frame from valine 1805.
Molecular consequence: frameshift variant.
Genome position (GRCh38, 1-based): chrX:32,348,441, C duplicated on the plus strand (G on the coding strand, the reverse complement: DMD is on the minus strand); the first of 5 consecutive C bases (chrX:32,348,441-32,348,445); duplicating any one gives the same sequence. VCF-style (leftmost placement, unchanged base first): chrX-32348440-A-AC. GRCh37 (hg19) VCF-style: chrX-32366557-A-AC.
Other names: c.5389dup, p.Val1797fs (NM_000109.4); c.5401dup, p.Val1801fs (NM_004009.3); c.5044dup, p.Val1682fs (NM_004010.3); c.1390dup, p.Val464fs (NM_004011.4); c.1381dup, p.Val461fs (NM_004012.4); short protein forms V1682fs, V1797fs, V1801fs, V1805fs, V461fs, V464fs.
Identifiers: ClinVar variation 4294039 (VCV004294039.1).